The following is an entry in ClinVar:

NM_017780.4(CHD7):c.2782A>G (p.Lys928Glu)

Gene: CHD7 (chromodomain helicase DNA binding protein 7; plus strand). Cytogenetic location: 8q12.2.
Variant type: single nucleotide variant.
Coding change: c.2782A>G on transcript NM_017780.4 (MANE Select); coding-DNA position 2782, A replaced by G.
Protein change: p.Lys928Glu; replaces lysine 928 with glutamic acid.
Molecular consequence: missense variant. On other transcripts: intron variant (1).
Genome position (GRCh38, 1-based): chr8:60,821,874, A>G. VCF-style: chr8-60821874-A-G. GRCh37 (hg19) VCF-style: chr8-61734433-A-G.
Other names: c.1717-40355A>G (NM_001316690.1); short protein forms K928E.
Identifiers: ClinVar variation 2529079 (VCV002529079.5), dbSNP rs2487805302, ClinGen allele CA371307856.

ClinVar aggregate classification (germline): Uncertain significance. Review status: criteria provided, multiple submitters, no conflicts (2 of 4 stars). 2 submissions from 2 submitters: Uncertain significance (2). Last evaluated 2023-07-30.

Conditions:
Inborn genetic diseases. Identifiers: MedGen C0950123, MeSH D030342.
CHARGE syndrome (CHARGE). Also called: Hittner Hirsch Kreh syndrome; CHARGE ASSOCIATION--COLOBOMA, HEART ANOMALY, CHOANAL ATRESIA, RETARDATION, GENITAL AND EAR ANOMALIES; Coloboma, heart anomaly, choanal atresia, retardation, genital and ear anomalies; CHARGE association; Hall-Hittner syndrome. Identifiers: Orphanet 138, MedGen C0265354, MONDO:0008965.

Allele frequency attached by ClinVar (database versions not stated): gnomAD exomes below 0.00001; gnomAD 0.00001.
gnomAD v4.1: 3 of 1,609,060 alleles (0.00019%); highest among the groups gnomAD compares: Non-Finnish European, 0.00025%; no homozygotes.

Submissions (2):

Labcorp Genetics (formerly Invitae), Labcorp
Classification: Uncertain significance for CHARGE syndrome. Last evaluated: 2023-07-30. Review status: criteria provided, single submitter. Criteria: Invitae Variant Classification Sherloc (09022015). Collection method: clinical testing. Allele origin: germline.
Comment: In summary, the available evidence is currently insufficient to determine the role of this variant in disease. Therefore, it has been classified as a Variant of Uncertain Significance. Advanced modeling of protein sequence and biophysical properties (such as structural, functional, and spatial information, amino acid conservation, physicochemical variation, residue mobility, and thermodynamic stability) performed at Invitae indicates that this missense variant is expected to disrupt CHD7 protein function. ClinVar contains an entry for this variant (Variation ID: 2529079). This sequence change replaces lysine, which is basic and polar, with glutamic acid, which is acidic and polar, at codon 928 of the CHD7 protein (p.Lys928Glu). This variant has not been reported in the literature in individuals affected with CHD7-related conditions. This variant is not present in population databases (gnomAD no frequency).

Ambry Genetics
Classification: Uncertain significance for Inborn genetic diseases. Last evaluated: 2023-03-24. Review status: criteria provided, single submitter. Criteria: Ambry Variant Classification Scheme 2023. Collection method: clinical testing. Allele origin: germline.